The following is an entry in ClinVar:

ClinVar aggregate classification (germline): Uncertain significance (1 of 4 stars; one submission).

Conditions:
EGFR-related lung cancer (EGFR). Identifiers: MedGen CN130014.

Submission:

Labcorp Genetics (formerly Invitae), Labcorp
Classification: Uncertain significance for EGFR-related lung cancer. Last evaluated: 2024-08-20. Review status: criteria provided, single submitter. Criteria: Invitae Variant Classification Sherloc (09022015). Collection method: clinical testing. Allele origin: germline.
Comment: This sequence change falls in intron 13 of the EGFR gene. It does not directly change the encoded amino acid sequence of the EGFR protein. It affects a nucleotide within the consensus splice site. This variant is not present in population databases (gnomAD no frequency). This variant has not been reported in the literature in individuals affected with EGFR-related conditions. ClinVar contains an entry for this variant (Variation ID: 1391489). Variants that disrupt the consensus splice site are a relatively common cause of aberrant splicing (PMID: 17576681, 9536098). Algorithms developed to predict the effect of sequence changes on RNA splicing suggest that this variant may disrupt the consensus splice site. In summary, the available evidence is currently insufficient to determine the role of this variant in disease. Therefore, it has been classified as a Variant of Uncertain Significance.

Literature cited by the submitters: PubMed 17576681; PubMed 9536098.

NM_005228.5(EGFR):c.1631+5G>A

Gene: EGFR (epidermal growth factor receptor; plus strand). Cytogenetic location: 7p11.2.
Variant type: single nucleotide variant.
Coding change: c.1631+5G>A on transcript NM_005228.5 (MANE Select); 5 bases into the intron after coding-DNA position 1631, G replaced by A.
Molecular consequence: intron variant.
Genome position (GRCh38, 1-based): chr7:55,161,636, G>A. VCF-style: chr7-55161636-G-A. GRCh37 (hg19) VCF-style: chr7-55229329-G-A.
Other names: c.1496+5G>A (NM_001346899.2, NM_001346897.2); c.830+5G>A (NM_001346941.2); c.1631+5G>A (NM_001346898.2, NM_201284.2, NM_201282.2); c.1472+5G>A (NM_001346900.2).
Identifiers: ClinVar variation 1391489 (VCV001391489.6), dbSNP rs777179174, ClinGen allele CA2573142271.
Genomic context (GRCh38, chr7:55,161,636, plus strand): 5'-TGCCGGAATGTCAGCCGAGGCAGGGAATGCGTGGACAAGTGCAACCTTCTGGAGGGGTAG[G>A]AGGTTATTTCTTTAATCCCCTTGCGTTGATCAAAAATAAGGCTCCAGGTTGTTGTTATAG-3'